The following is an entry in ClinVar:

ClinVar aggregate classification (germline): Uncertain significance. Review status: criteria provided, multiple submitters, no conflicts (2 of 4 stars). 2 submissions from 2 submitters: Uncertain significance (2). Last evaluated 2025-07-30.

Conditions:
Tuberous sclerosis 2 (TSC2). Identifiers: Orphanet 805, MedGen C1860707, MONDO:0013199, OMIM 613254.
Hereditary cancer-predisposing syndrome. Also called: Hereditary neoplastic syndrome; Neoplastic Syndromes, Hereditary; Hereditary Cancer Syndrome; Tumor predisposition. Identifiers: Orphanet 140162, MedGen C0027672, MeSH D009386, MONDO:0015356.

gnomAD v4.1: 2 of 1,612,272 alleles (0.00012%); highest among the groups gnomAD compares: Non-Finnish European, 0.00017%; no homozygotes.

Submissions (2):

Labcorp Genetics (formerly Invitae), Labcorp
Classification: Uncertain significance for Tuberous sclerosis 2. Last evaluated: 2025-07-30. Review status: criteria provided, single submitter. Criteria: Invitae Variant Classification Sherloc (09022015). Collection method: clinical testing. Allele origin: germline.
Comment: This sequence change replaces asparagine, which is neutral and polar, with tyrosine, which is neutral and polar, at codon 1556 of the TSC2 protein (p.Asn1556Tyr). This variant is not present in population databases (gnomAD no frequency). This variant has not been reported in the literature in individuals affected with TSC2-related conditions. ClinVar contains an entry for this variant (Variation ID: 1396696). Invitae Evidence Modeling of protein sequence and biophysical properties (such as structural, functional, and spatial information, amino acid conservation, physicochemical variation, residue mobility, and thermodynamic stability) indicates that this missense variant is not expected to disrupt TSC2 protein function with a negative predictive value of 95%. In summary, the available evidence is currently insufficient to determine the role of this variant in disease. Therefore, it has been classified as a Variant of Uncertain Significance.

Ambry Genetics
Classification: Uncertain significance for Hereditary cancer-predisposing syndrome. Last evaluated: 2024-12-29. Review status: criteria provided, single submitter. Criteria: Ambry Variant Classification Scheme 2023. Collection method: clinical testing. Allele origin: germline.
Comment: The p.N1556Y variant (also known as c.4666A>T), located in coding exon 36 of the TSC2 gene, results from an A to T substitution at nucleotide position 4666. The asparagine at codon 1556 is replaced by tyrosine, an amino acid with dissimilar properties. This amino acid position is conserved. In addition, this alteration is predicted to be deleterious by in silico analysis. Based on the available evidence, the clinical significance of this variant remains unclear.

NM_000548.5(TSC2):c.4666A>T (p.Asn1556Tyr)

Gene: TSC2 (TSC complex subunit 2; plus strand). Cytogenetic location: 16p13.3.
Variant type: single nucleotide variant.
Coding change: c.4666A>T on transcript NM_000548.5 (MANE Select); coding-DNA position 4666, A replaced by T.
Protein change: p.Asn1556Tyr; replaces asparagine 1556 with tyrosine.
Molecular consequence: missense variant.
Genome position (GRCh38, 1-based): chr16:2,086,196, A>T. VCF-style: chr16-2086196-A-T. GRCh37 (hg19) VCF-style: chr16-2136197-A-T.
Other names: c.4465A>T, p.Asn1489Tyr (NM_001077183.3); c.4597A>T, p.Asn1533Tyr (NM_001114382.3); c.4357A>T, p.Asn1453Tyr (NM_001318827.2); c.4321A>T, p.Asn1441Tyr (NM_001318829.2); c.3934A>T, p.Asn1312Tyr (NM_001318831.2); c.4498A>T, p.Asn1500Tyr (NM_001318832.2); c.4468A>T, p.Asn1490Tyr (NM_001363528.2); c.4534A>T, p.Asn1512Tyr (NM_001370404.1); and 2 more; short protein forms N1441Y, N1513Y, N1489Y, N1556Y, N1312Y, N1500Y, N1512Y, N1533Y.
Identifiers: ClinVar variation 1396696 (VCV001396696.8), dbSNP rs2151569260, ClinGen allele CA394306858.